The following is an entry in ClinVar:

NM_000551.4(VHL):c.134C>G (p.Pro45Arg)

Gene: VHL (von Hippel-Lindau tumor suppressor; plus strand). Cytogenetic location: 3p25.3.
Variant type: single nucleotide variant.
Coding change: c.134C>G on transcript NM_000551.4 (MANE Select); coding-DNA position 134, C replaced by G.
Protein change: p.Pro45Arg; replaces proline 45 with arginine.
Molecular consequence: missense variant.
Genome position (GRCh38, 1-based): chr3:10,141,981, C>G. VCF-style: chr3-10141981-C-G. GRCh37 (hg19) VCF-style: chr3-10183665-C-G.
Other names: c.134C>G, p.Pro45Arg (NM_001354723.2, NM_198156.3); short protein forms P45R.
Identifiers: ClinVar variation 238100 (VCV000238100.22), dbSNP rs199583685, ClinGen allele CA039433.

ClinVar aggregate classification (germline): Conflicting classifications of pathogenicity. Review status: criteria provided, conflicting classifications (1 of 4 stars). 8 submissions from 8 submitters: Uncertain significance (1); Likely benign (7). Last evaluated 2026-01-19.

Conditions:
Hereditary cancer-predisposing syndrome. Also called: Neoplastic Syndromes, Hereditary; Hereditary Cancer Syndrome; Tumor predisposition; Hereditary neoplastic syndrome. Identifiers: Orphanet 140162, MedGen C0027672, MeSH D009386, MONDO:0015356.
Chuvash polycythemia. Also called: POLYCYTHEMIA, VHL-DEPENDENT. Identifiers: Orphanet 238557, MedGen C1837915, MONDO:0009892, OMIM 263400.
Von Hippel-Lindau syndrome (VHLS). Also called: VHL syndrome; Von Hippel-Lindau; von Hippel–Lindau syndrome. Identifiers: Orphanet 892, MedGen C0019562, MONDO:0008667, OMIM 193300. Disease mechanism: loss of function.

Allele frequency attached by ClinVar (database versions not stated): gnomAD 0.00001; TOPMed 0.00004; gnomAD exomes 0.00008; ExAC 0.00012.
gnomAD v4.1: 34 of 1,566,086 alleles (0.0022%); highest among the groups gnomAD compares: Middle Eastern, 0.018%; no homozygotes.

Submissions (8):

Labcorp Genetics (formerly Invitae), Labcorp
Classification: Likely benign for Von Hippel-Lindau syndrome; Chuvash polycythemia. Last evaluated: 2026-01-19. Review status: criteria provided, single submitter. Criteria: Invitae Variant Classification Sherloc (09022015). Collection method: clinical testing. Allele origin: germline.

Molecular Pathology, Peter Maccallum Cancer Centre
Classification: Uncertain significance for Von Hippel-Lindau syndrome. Last evaluated: 2025-02-03. Review status: criteria provided, single submitter. Criteria: ACMG Guidelines, 2015. Collection method: clinical testing. Allele origin: germline. Inheritance: Autosomal dominant inheritance.

All of Us Research Program, National Institutes of Health
Classification: Likely benign for Von Hippel-Lindau syndrome. Last evaluated: 2023-12-01. Review status: criteria provided, single submitter. Criteria: ACMG Guidelines, 2015. Collection method: clinical testing. Allele origin: germline. Inheritance: Autosomal dominant inheritance. Observed: 9 variant alleles, 9 heterozygotes.
Comment: This study involves interpretation of variants in research participants for the purpose of population health screening. Participant phenotype was not available at the time of variant classification. Additional details can be found in publication PMID: 35346344, PMCID: PMC8962531

Color Diagnostics, LLC DBA Color Health
Classification: Likely benign for Von Hippel-Lindau syndrome. Last evaluated: 2023-02-15. Review status: criteria provided, single submitter. Criteria: ACMG Guidelines, 2015. Collection method: clinical testing. Allele origin: germline.

Blueprint Genetics
Classification: Likely benign. Last evaluated: 2022-11-15. Review status: criteria provided, single submitter. Criteria: ACMG Guidelines, 2015. Collection method: clinical testing. Allele origin: germline.

Sema4
Classification: Likely benign for Hereditary cancer-predisposing syndrome. Last evaluated: 2021-02-10. Review status: criteria provided, single submitter. Criteria: Sema4 Curation Guidelines. Collection method: curation. Allele origin: germline.

GeneDx
Classification: Likely benign. Last evaluated: 2021-01-17. Review status: criteria provided, single submitter. Criteria: GeneDx Variant Classification Process June 2021. Collection method: clinical testing. Allele origin: germline. Affected: yes.
Comment: This variant is associated with the following publications: (PMID: 22683710, 29338689)

Ambry Genetics
Classification: Likely benign for Hereditary cancer-predisposing syndrome. Last evaluated: 2020-08-03. Review status: criteria provided, single submitter. Criteria: Ambry Variant Classification Scheme 2023. Collection method: clinical testing. Allele origin: germline.